The following is an entry in ClinVar:

ClinVar aggregate classification (germline): Conflicting classifications of pathogenicity. Review status: criteria provided, conflicting classifications (1 of 4 stars). 4 submissions from 4 submitters: Uncertain significance (1); Likely benign (2). 1 of the submissions does not count toward it. Last evaluated 2026-01-11.

Conditions:
Retinal dystrophy. Also called: Inherited retinal dystrophy. Identifiers: Orphanet 71862, MedGen C0854723, MeSH D058499, MONDO:0019118, HP:0000556.
Saldino-Mainzer syndrome (SRTD9). Also called: short-rib thoracic dysplasia 9 with or without polydactyly; Renal dysplasia, retinal pigmentary dystrophy, cerebellar ataxia and skeletal dysplasia; SHORT-RIB THORACIC DYSPLASIA 9 WITHOUT POLYDACTYLY; CONORENAL SYNDROME. Identifiers: Orphanet 140969, MedGen C1849437, MONDO:0009964, OMIM 266920.
IFT140-related disorder. Also called: IFT140-related condition.

Allele frequency attached by ClinVar (database versions not stated): gnomAD 0.00001; TOPMed 0.00001; ExAC 0.00002; gnomAD exomes 0.00002.
gnomAD v4.1: 30 of 1,613,088 alleles (0.0019%); highest among the groups gnomAD compares: Middle Eastern, 0.066%; no homozygotes.

Submissions (4):

Labcorp Genetics (formerly Invitae), Labcorp
Classification: Likely benign for Saldino-Mainzer syndrome. Last evaluated: 2026-01-11. Review status: criteria provided, single submitter. Criteria: Invitae Variant Classification Sherloc (09022015). Collection method: clinical testing. Allele origin: germline.

Dept Of Ophthalmology, Nagoya University
Classification: Uncertain significance for Retinal dystrophy. Last evaluated: 2023-10-01. Review status: criteria provided, single submitter. Criteria: Submitter's publication. Collection method: research. Allele origin: germline. Affected: yes.

Blueprint Genetics
Classification: Likely benign. Last evaluated: 2020-08-04. Review status: criteria provided, single submitter. Criteria: ACMG Guidelines, 2015. Collection method: clinical testing. Allele origin: germline.

PreventionGenetics, part of Exact Sciences
Classification: Likely benign for IFT140-related condition. Last evaluated: 2022-12-22. Review status: no assertion criteria provided. Collection method: clinical testing. Allele origin: germline. Not counted in ClinVar's aggregate classification.
Comment: This variant is classified as likely benign based on ACMG/AMP sequence variant interpretation guidelines (Richards et al. 2015 PMID: 25741868, with internal and published modifications).

NM_014714.4(IFT140):c.1221G>C (p.Arg407=)

Genes: IFT140 (intraflagellar transport 140; minus strand), LOC105371046 (uncharacterized LOC105371046; plus strand). Cytogenetic location: 16p13.3.
Variant type: single nucleotide variant.
Coding change: c.1221G>C on transcript NM_014714.4 (MANE Select); coding-DNA position 1221, G replaced by C.
Protein change: p.Arg407=; no amino-acid change (arginine 407 retained).
Molecular consequence: synonymous variant.
Genome position (GRCh38, 1-based): chr16:1,584,355, C>G on the plus strand (G>C on the coding strand, the complement: IFT140 is on the minus strand). VCF-style: chr16-1584355-C-G. GRCh37 (hg19) VCF-style: chr16-1634356-C-G.
Other names: c.1221G>C (NM_014714.3).
Identifiers: ClinVar variation 2756704 (VCV002756704.7), dbSNP rs761080545, ClinGen allele CA7814397.
Genomic context (GRCh38, chr16:1,584,355, plus strand): 5'-CAGCAGACTCGGGGAGACCTGCATGGCGGCCACTTGCTGGTGGAAGTGTGACGACATGGC[C>G]CGCTCGCTGAGGATGGCCACGGAGATGACGCTGTTCACTGCCAGCAGGTTCTTCCTGGAA-3'
Protein context (NP_055529.2, residues 397-417): SVISVAILSE[Arg407=]AMSSHFHQQV